The following is an entry in ClinVar:

NC_000003.12:g.(?_9890703)_(9933613_?)dup

Genes: IL17RC (interleukin 17 receptor C; plus strand), IL17RE (interleukin 17 receptor E; plus strand), JAGN1 (jagunal homolog 1; plus strand). Cytogenetic location: 3p25.3.
Variant type: Duplication.
Identifiers: ClinVar variation 832836 (VCV000832836.1).

ClinVar aggregate classification (germline): Uncertain significance (1 of 4 stars; one submission).

Conditions:
Candidiasis, familial, 9 (CANDF9). Identifiers: Orphanet 1334, MedGen C4225324, MONDO:0014642, OMIM 616445.

Submission:

Labcorp Genetics (formerly Invitae), Labcorp
Classification: Uncertain significance for Candidiasis, familial, 9. Last evaluated: 2019-06-21. Review status: criteria provided, single submitter. Criteria: Invitae Variant Classification Sherloc (09022015). Collection method: clinical testing. Allele origin: germline.
Comment: This variant results in a copy number gain of the genomic region encompassing the full coding sequence of the IL17RC gene. The boundaries of this event are unknown as they extend beyond the assayed region for this gene and therefore may encompass additional genes. As the precise location of this event is unknown, it may be in tandem or it may be located elsewhere in the genome. This variant has not been reported in the literature in individuals with IL17RC-related conditions. In summary, the available evidence is currently insufficient to determine the role of this variant in disease. Therefore, it has been classified as a Variant of Uncertain Significance.